The following is an entry in ClinVar:

ClinVar aggregate classification (germline): Uncertain significance. Review status: criteria provided, multiple submitters, no conflicts (2 of 4 stars). 2 submissions from 2 submitters: Uncertain significance (2). Last evaluated 2025-10-06.

Conditions:
Inborn genetic diseases. Identifiers: MedGen C0950123, MeSH D030342.

Allele frequency attached by ClinVar (database versions not stated): gnomAD exomes below 0.00001; gnomAD 0.00001; TOPMed 0.00003.
gnomAD v4.1: 7 of 1,613,562 alleles (0.00043%); highest among the groups gnomAD compares: Admixed American, 0.0083%; no homozygotes.

Submissions (2):

Ambry Genetics
Classification: Uncertain significance for Inborn genetic diseases. Last evaluated: 2025-10-06. Review status: criteria provided, single submitter. Criteria: Ambry Variant Classification Scheme 2023. Collection method: clinical testing. Allele origin: germline.

Labcorp Genetics (formerly Invitae), Labcorp
Classification: Uncertain significance. Last evaluated: 2025-01-08. Review status: criteria provided, single submitter. Criteria: Invitae Variant Classification Sherloc (09022015). Collection method: clinical testing. Allele origin: germline.
Comment: This sequence change replaces serine, which is neutral and polar, with asparagine, which is neutral and polar, at codon 540 of the ACAN protein (p.Ser540Asn). This variant is not present in population databases (gnomAD no frequency). This variant has not been reported in the literature in individuals affected with ACAN-related conditions. ClinVar contains an entry for this variant (Variation ID: 1416628). Invitae Evidence Modeling of protein sequence and biophysical properties (such as structural, functional, and spatial information, amino acid conservation, physicochemical variation, residue mobility, and thermodynamic stability) indicates that this missense variant is not expected to disrupt ACAN protein function with a negative predictive value of 80%. In summary, the available evidence is currently insufficient to determine the role of this variant in disease. Therefore, it has been classified as a Variant of Uncertain Significance.

NM_001369268.1(ACAN):c.1619G>A (p.Ser540Asn)

Gene: ACAN (aggrecan; plus strand). Cytogenetic location: 15q26.1.
Variant type: single nucleotide variant.
Coding change: c.1619G>A on transcript NM_001369268.1 (MANE Select); coding-DNA position 1619, G replaced by A.
Protein change: p.Ser540Asn; replaces serine 540 with asparagine.
Molecular consequence: missense variant.
Genome position (GRCh38, 1-based): chr15:88,847,925, G>A. VCF-style: chr15-88847925-G-A. GRCh37 (hg19) VCF-style: chr15-89391156-G-A.
Other names: c.1619G>A (NM_013227.3); c.1619G>A, p.Ser540Asn (NM_001135.4, NM_013227.4); short protein forms S540N.
Identifiers: ClinVar variation 1416628 (VCV001416628.9), dbSNP rs1346158582, ClinGen allele CA393710892.